The following is an entry in ClinVar:

ClinVar aggregate classification (germline): Uncertain significance (1 of 4 stars; one submission).

Allele frequency attached by ClinVar (database versions not stated): TOPMed 0.00008; ESP Exome Variant Server 0.00022; ExAC 0.00005; gnomAD 0.00010.
gnomAD v4.1: 124 of 1,551,324 alleles (0.008%); highest among the groups gnomAD compares: Middle Eastern, 0.017%; 1 homozygote.

Submission:

Labcorp Genetics (formerly Invitae), Labcorp
Classification: Uncertain significance. Last evaluated: 2025-06-12. Review status: criteria provided, single submitter. Criteria: Invitae Variant Classification Sherloc (09022015). Collection method: clinical testing. Allele origin: germline.
Comment: This sequence change replaces asparagine, which is neutral and polar, with serine, which is neutral and polar, at codon 152 of the GREB1L protein (p.Asn152Ser). This variant is present in population databases (rs371012004, gnomAD 0.02%). This variant has not been reported in the literature in individuals affected with GREB1L-related conditions. ClinVar contains an entry for this variant (Variation ID: 2898835). An algorithm developed to predict the effect of missense changes on protein structure and function (PolyPhen-2) suggests that this variant is likely to be tolerated. In summary, the available evidence is currently insufficient to determine the role of this variant in disease. Therefore, it has been classified as a Variant of Uncertain Significance.

NM_001142966.3(GREB1L):c.455A>G (p.Asn152Ser)

Genes: GREB1L (GREB1 like retinoic acid receptor coactivator; plus strand), GREB1L-AS1 (GREB1L antisense RNA 1; minus strand). Cytogenetic location: 18q11.1.
Variant type: single nucleotide variant.
Coding change: c.455A>G on transcript NM_001142966.3 (MANE Select); coding-DNA position 455, A replaced by G.
Protein change: p.Asn152Ser; replaces asparagine 152 with serine.
Molecular consequence: missense variant.
Genome position (GRCh38, 1-based): chr18:21,395,484, A>G. VCF-style: chr18-21395484-A-G. GRCh37 (hg19) VCF-style: chr18-18975445-A-G.
Other names: c.455A>G, p.Asn152Ser (NM_001410867.1, NM_001410868.1); short protein forms N152S.
Identifiers: ClinVar variation 2898835 (VCV002898835.3), dbSNP rs371012004, ClinGen allele CA8906311.